The following is an entry in ClinVar:

ClinVar aggregate classification (germline): Benign. Review status: criteria provided, multiple submitters, no conflicts (2 of 4 stars). 3 submissions from 3 submitters: Benign (3). Last evaluated 2024-07-31.

Allele frequency attached by ClinVar (database versions not stated): 1000 Genomes Project 30x 0.26468; 1000 Genomes Project 0.26737; gnomAD 0.30964 and 0.30971; TOPMed 0.31325.
gnomAD v4.1: 524,394 of 1,452,748 alleles (36%); highest among the groups gnomAD compares: Middle Eastern, 51%; 97,403 homozygotes.

Submissions (3):

Unidad de Genómica Garrahan, Hospital de Pediatría Garrahan
Classification: Benign. Last evaluated: 2024-07-31. Review status: criteria provided, single submitter. Criteria: ACMG Guidelines, 2015. Collection method: clinical testing. Allele origin: germline. Affected: no. Observed: 45 variant alleles.
Comment: This variant is classified as Benign based on local population frequency. This variant was detected in 48% of patients studied in a panel designed for Epileptic and Developmental Encephalopathy, Progressive Myoclonus Epilepsy and Abnormal Movements and Neurodegeneration with brain iron accumulation. Number of patients: 45. Only high quality variants are reported.

GeneDx
Classification: Benign. Last evaluated: 2021-03-28. Review status: criteria provided, single submitter. Criteria: GeneDx Variant Classification Process June 2021. Collection method: clinical testing. Allele origin: germline. Affected: yes.

Breakthrough Genomics
Classification: Benign. Review status: criteria provided, single submitter. Criteria: ACMG Guidelines, 2015. Collection method: not provided. Allele origin: germline. Inheritance: Autosomal recessive inheritance. Affected: yes.

NM_000718.4(CACNA1B):c.6239-64G>C

Gene: CACNA1B (calcium voltage-gated channel subunit alpha1 B; plus strand). Cytogenetic location: 9q34.3.
Variant type: single nucleotide variant.
Coding change: c.6239-64G>C on transcript NM_000718.4 (MANE Select); 64 bases into the intron before coding-DNA position 6239, G replaced by C.
Molecular consequence: intron variant.
Genome position (GRCh38, 1-based): chr9:138,120,567, G>C. VCF-style: chr9-138120567-G-C. GRCh37 (hg19) VCF-style: chr9-141015019-G-C.
Other names: c.6239-64G>C (NM_001243812.2).
Identifiers: ClinVar variation 1243516 (VCV001243516.5), dbSNP rs2278971, ClinGen allele CA12976932.